The following is an entry in ClinVar:

NM_000489.6(ATRX):c.5000A>G (p.Tyr1667Cys)

Gene: ATRX (ATRX chromatin remodeler; minus strand). Cytogenetic location: Xq21.1.
Variant type: single nucleotide variant.
Coding change: c.5000A>G on transcript NM_000489.6 (MANE Select); coding-DNA position 5000, A replaced by G.
Protein change: p.Tyr1667Cys; replaces tyrosine 1667 with cysteine.
Molecular consequence: missense variant.
Genome position (GRCh38, 1-based): chrX:77,633,341, T>C on the plus strand (A>G on the coding strand, the complement: ATRX is on the minus strand). VCF-style: chrX-77633341-T-C. GRCh37 (hg19) VCF-style: chrX-76888829-T-C.
Other names: c.4886A>G, p.Tyr1629Cys (NM_138270.5); short protein forms Y1667C, Y1629C.
Identifiers: ClinVar variation 1348892 (VCV001348892.7), dbSNP rs1557106489, ClinGen allele CA413703729.
Genomic context (GRCh38, chrX:77,633,341, plus strand): 5'-CTATACATCTCATAGCCTATGATCATAACACCACCATCTTCTTGCCACCTCTGCAGCATG[T>C]AGCTTCTCTCCTGAGGACGTTTCACAGTTGCTAATTCAGAAACCTTTTGTGGGGAAATAA-3'
Protein context (NP_000480.3, residues 1657-1677): ATVKRPQERS[Tyr1667Cys]MLQRWQEDGG

ClinVar aggregate classification (germline): Conflicting classifications of pathogenicity. Review status: criteria provided, conflicting classifications (1 of 4 stars). 2 submissions from 2 submitters: Uncertain significance (1); Likely benign (1). Last evaluated 2024-10-23.

Conditions:
Intellectual disability-hypotonic facies syndrome, X-linked, 1 (MRXHF1). Also called: CHUDLEY-LOWRY SYNDROME; Chudley syndrome 1; Chudley-Lowry-Hoar syndrome; Carpenter-Waziri syndrome; Smith Fineman Myers syndrome 1; HOLMES-GANG SYNDROME. Identifiers: Orphanet 73220, Orphanet 93970, Orphanet 93971, Orphanet 93972, Orphanet 93973, Orphanet 93974, Orphanet 93975, MedGen C4759781, MONDO:0010663, OMIM 309580.
Alpha thalassemia-X-linked intellectual disability syndrome (ATRX). Also called: ATR-X syndrome; Alpha thalassemia mental retardation syndrome, nondeletion type, X-linked; XLMR hypotonic face syndrome; X-linked alpha-thalassemia-mental retardation syndrome; ALPHA-THALASSEMIA/IMPAIRED INTELLECTUAL DEVELOPMENT SYNDROME, X-LINKED; ALPHA-THALASSEMIA/MENTAL RETARDATION SYNDROME, X-LINKED. Identifiers: Orphanet 847, MedGen C1845055, MONDO:0010519, OMIM 301040.

Allele frequency attached by ClinVar (database versions not stated): gnomAD exomes 0.00001.
gnomAD v4.1: 1 of 1,211,377 alleles (0.000083%); no homozygotes.

Submissions (2):

Labcorp Genetics (formerly Invitae), Labcorp
Classification: Likely benign for Alpha thalassemia-X-linked intellectual disability syndrome. Last evaluated: 2024-10-23. Review status: criteria provided, single submitter. Criteria: Invitae Variant Classification Sherloc (09022015). Collection method: clinical testing. Allele origin: germline.

3billion
Classification: Uncertain significance for Intellectual disability-hypotonic facies syndrome, X-linked, 1. Last evaluated: 2023-11-23. Review status: criteria provided, single submitter. Criteria: ACMG Guidelines, 2015. Collection method: clinical testing. Allele origin: germline. Affected: yes.
Comment: The variant is observed at an extremely low frequency in the gnomAD v2.1.1 dataset (total allele frequency: <0.001%). Predicted Consequence/Location: Missense variant In silico tool predictions suggest damaging effect of the variant on gene or gene product [REVEL: 0.74 (>=0.6, sensitivity 0.68 and specificity 0.92)]. Therefore, this variant is classified as VUS according to the recommendation of ACMG/AMP guideline.